The following is an entry in ClinVar:

ClinVar aggregate classification (germline): Uncertain significance (1 of 4 stars; one submission).

Conditions:
Brugada syndrome 8 (BRGDA8). Identifiers: Orphanet 130, MedGen C2751083, MONDO:0013148, OMIM 613123.

gnomAD v4.1: 9 of 1,502,098 alleles (0.0006%); highest among the groups gnomAD compares: South Asian, 0.0012%; no homozygotes.

Submission:

Labcorp Genetics (formerly Invitae), Labcorp
Classification: Uncertain significance for Brugada syndrome 8. Last evaluated: 2022-03-18. Review status: criteria provided, single submitter. Criteria: Invitae Variant Classification Sherloc (09022015). Collection method: clinical testing. Allele origin: germline.
Comment: This sequence change replaces methionine, which is neutral and non-polar, with threonine, which is neutral and polar, at codon 8 of the HCN4 protein (p.Met8Thr). The frequency data for this variant in the population databases is considered unreliable, as metrics indicate poor data quality at this position in the gnomAD database. This variant has not been reported in the literature in individuals affected with HCN4-related conditions. Advanced modeling of protein sequence and biophysical properties (such as structural, functional, and spatial information, amino acid conservation, physicochemical variation, residue mobility, and thermodynamic stability) performed at Invitae indicates that this missense variant is not expected to disrupt HCN4 protein function. In summary, the available evidence is currently insufficient to determine the role of this variant in disease. Therefore, it has been classified as a Variant of Uncertain Significance.

NM_005477.3(HCN4):c.23T>C (p.Met8Thr)

Gene: HCN4 (hyperpolarization activated cyclic nucleotide gated potassium channel 4; minus strand). Cytogenetic location: 15q24.1.
Variant type: single nucleotide variant.
Coding change: c.23T>C on transcript NM_005477.3 (MANE Select); coding-DNA position 23, T replaced by C.
Protein change: p.Met8Thr; replaces methionine 8 with threonine.
Molecular consequence: missense variant.
Genome position (GRCh38, 1-based): chr15:73,368,248, A>G on the plus strand (T>C on the coding strand, the complement: HCN4 is on the minus strand). VCF-style: chr15-73368248-A-G. GRCh37 (hg19) VCF-style: chr15-73660589-A-G.
Other names: short protein forms M8T.
Identifiers: ClinVar variation 1409755 (VCV001409755.8), dbSNP rs749801134, ClinGen allele CA393099254.